The following is an entry in ClinVar:

ClinVar aggregate classification (germline): Uncertain significance (1 of 4 stars; one submission).

Conditions:
Catecholaminergic polymorphic ventricular tachycardia (CVPT). Also called: Catecholamine-induced polymorphic ventricular tachycardia. Identifiers: Orphanet 3286, MedGen C5574922, MONDO:0017990.

Submission:

All of Us Research Program, National Institutes of Health
Classification: Uncertain significance for Catecholaminergic polymorphic ventricular tachycardia. Last evaluated: 2023-05-04. Review status: criteria provided, single submitter. Criteria: ACMG Guidelines, 2015. Collection method: clinical testing. Allele origin: germline. Inheritance: Autosomal dominant inheritance. Observed: 1 variant allele, 1 heterozygote.
Comment: This variant changes 1 nucleotide in exon 105 of the RYR2 gene, creating a premature translation stop signal in the last exon. This mutant transcript is predicted to escape nonsense-mediated decay and be expressed as a truncated protein lacking the last 6 amino acids of the normal protein. To our knowledge, this variant has not been reported in individuals affected with RYR2-related disorders in the literature. This variant has not been identified in the general population by the Genome Aggregation Database (gnomAD). The available evidence is insufficient to determine the role of this variant in disease conclusively. Therefore, this variant is classified as a Variant of Uncertain Significance.

This study involves interpretation of variants in research participants for the purpose of population health screening. Participant phenotype was not available at the time of variant classification. Additional details can be found in publication PMID: 35346344, PMCID: PMC8962531

NM_001035.3(RYR2):c.14886T>G (p.Tyr4962Ter)

Gene: RYR2 (ryanodine receptor 2; plus strand). Cytogenetic location: 1q43.
Variant type: single nucleotide variant.
Coding change: c.14886T>G on transcript NM_001035.3 (MANE Select); coding-DNA position 14886, T replaced by G.
Protein change: p.Tyr4962Ter; replaces tyrosine 4962 with a stop codon.
Molecular consequence: nonsense.
Genome position (GRCh38, 1-based): chr1:237,832,629, T>G. VCF-style: chr1-237832629-T-G. GRCh37 (hg19) VCF-style: chr1-237995929-T-G.
Other names: short protein forms Y4962*.
Identifiers: ClinVar variation 3070762 (VCV003070762.1), dbSNP rs2528507672, ClinGen allele CA345411095.